The following is an entry in ClinVar:

NM_015665.6(AAAS):c.826A>G (p.Thr276Ala)

Gene: AAAS (aladin WD repeat nucleoporin; minus strand). Cytogenetic location: 12q13.13.
Variant type: single nucleotide variant.
Coding change: c.826A>G on transcript NM_015665.6 (MANE Select); coding-DNA position 826, A replaced by G.
Protein change: p.Thr276Ala; replaces threonine 276 with alanine.
Molecular consequence: missense variant.
Genome position (GRCh38, 1-based): chr12:53,309,266, T>C on the plus strand (A>G on the coding strand, the complement: AAAS is on the minus strand). VCF-style: chr12-53309266-T-C. GRCh37 (hg19) VCF-style: chr12-53703050-T-C.
Other names: c.727A>G, p.Thr243Ala (NM_001173466.2); c.826A>G (NM_015665.5); short protein forms T276A, T243A.
Identifiers: ClinVar variation 1353507 (VCV001353507.4), dbSNP rs747008621, ClinGen allele CA6599075.

ClinVar aggregate classification (germline): Uncertain significance. Review status: criteria provided, multiple submitters, no conflicts (2 of 4 stars). 2 submissions from 2 submitters: Uncertain significance (2). Last evaluated 2024-01-29.

Conditions:
Inborn genetic diseases. Identifiers: MedGen C0950123, MeSH D030342.

Allele frequency attached by ClinVar (database versions not stated): ExAC 0.00001; gnomAD 0.00001; gnomAD exomes 0.00001; TOPMed 0.00003.
gnomAD v4.1: 31 of 1,613,870 alleles (0.0019%); highest among the groups gnomAD compares: East Asian, 0.0045%; no homozygotes.

Submissions (2):

Ambry Genetics
Classification: Uncertain significance for Inborn genetic diseases. Last evaluated: 2024-01-29. Review status: criteria provided, single submitter. Criteria: Ambry Variant Classification Scheme 2023. Collection method: clinical testing. Allele origin: germline.

Labcorp Genetics (formerly Invitae), Labcorp
Classification: Uncertain significance. Last evaluated: 2021-10-07. Review status: criteria provided, single submitter. Criteria: Invitae Variant Classification Sherloc (09022015). Collection method: clinical testing. Allele origin: germline.
Comment: This sequence change replaces threonine with alanine at codon 276 of the AAAS protein (p.Thr276Ala). The threonine residue is highly conserved and there is a small physicochemical difference between threonine and alanine. This variant is present in population databases (rs747008621, ExAC 0.002%). This variant has not been reported in the literature in individuals affected with AAAS-related conditions. Algorithms developed to predict the effect of missense changes on protein structure and function are either unavailable or do not agree on the potential impact of this missense change (SIFT: "Deleterious"; PolyPhen-2: "Benign"; Align-GVGD: "Class C0"). In summary, the available evidence is currently insufficient to determine the role of this variant in disease. Therefore, it has been classified as a Variant of Uncertain Significance.